The following is an entry in ClinVar:

NM_024753.5(TTC21B):c.2165C>G (p.Pro722Arg)

Gene: TTC21B (tetratricopeptide repeat domain 21B; minus strand). Cytogenetic location: 2q24.3.
Variant type: single nucleotide variant.
Coding change: c.2165C>G on transcript NM_024753.5 (MANE Select); coding-DNA position 2165, C replaced by G.
Protein change: p.Pro722Arg; replaces proline 722 with arginine.
Molecular consequence: missense variant.
Genome position (GRCh38, 1-based): chr2:165,913,620, G>C on the plus strand (C>G on the coding strand, the complement: TTC21B is on the minus strand). VCF-style: chr2-165913620-G-C. GRCh37 (hg19) VCF-style: chr2-166770130-G-C.
Other names: short protein forms P722R.
Identifiers: ClinVar variation 1387210 (VCV001387210.9), dbSNP rs760571843, ClinGen allele CA1941911.

ClinVar aggregate classification (germline): Uncertain significance. Review status: criteria provided, multiple submitters, no conflicts (2 of 4 stars). 2 submissions from 2 submitters: Uncertain significance (2). Last evaluated 2022-06-13.

Conditions:
Nephronophthisis. Also called: Juvenile Nephronophthisis. Identifiers: Orphanet 655, MedGen C0687120, MONDO:0019005, HP:0000090.
Jeune thoracic dystrophy. Also called: Jeune syndrome; Infantile thoracic dystrophy; Thoracic pelvic phalangeal dystrophy; Jeune's syndrome; Chondroectodermal dysplasia-like syndrome; Short-rib thoracic dysplasia. Identifiers: Orphanet 474, MedGen C0265275, MONDO:0018770.
Nephronophthisis 12 (NPHP12). Identifiers: Orphanet 655, MedGen C3151186, MONDO:0013442, OMIM 613820.
Asphyxiating thoracic dystrophy 4 (SRTD4). Also called: SHORT-RIB THORACIC DYSPLASIA 4 WITH OR WITHOUT POLYDACTYLY; SHORT-RIB THORACIC DYSPLASIA 4. Identifiers: Orphanet 474, MedGen C3151185, MONDO:0013441, OMIM 613819.

Allele frequency attached by ClinVar (database versions not stated): gnomAD exomes 0.00002 and 0.00003; ExAC 0.00003.
gnomAD v4.1: 27 of 1,612,880 alleles (0.0017%); highest among the groups gnomAD compares: South Asian, 0.022%; no homozygotes.

Submissions (2):

Labcorp Genetics (formerly Invitae), Labcorp
Classification: Uncertain significance for Jeune thoracic dystrophy; Nephronophthisis. Last evaluated: 2022-06-13. Review status: criteria provided, single submitter. Criteria: Invitae Variant Classification Sherloc (09022015). Collection method: clinical testing. Allele origin: germline.
Comment: In summary, the available evidence is currently insufficient to determine the role of this variant in disease. Therefore, it has been classified as a Variant of Uncertain Significance. Algorithms developed to predict the effect of missense changes on protein structure and function are either unavailable or do not agree on the potential impact of this missense change (SIFT: "Deleterious"; PolyPhen-2: "Possibly Damaging"; Align-GVGD: "Class C0"). This variant has not been reported in the literature in individuals affected with TTC21B-related conditions. This variant is present in population databases (rs760571843, gnomAD 0.02%). This sequence change replaces proline, which is neutral and non-polar, with arginine, which is basic and polar, at codon 722 of the TTC21B protein (p.Pro722Arg).

Fulgent Genetics
Classification: Uncertain significance for Asphyxiating thoracic dystrophy 4; Nephronophthisis 12. Last evaluated: 2022-01-17. Review status: criteria provided, single submitter. Criteria: ACMG Guidelines, 2015. Collection method: clinical testing. Allele origin: unknown.